The following is an entry in ClinVar:

ClinVar aggregate classification (germline): Uncertain significance (1 of 4 stars; one submission).

Conditions:
Chédiak-Higashi syndrome (CHS). Also called: Chediak-Higashi Syndrome. Identifiers: Orphanet 167, MedGen C0007965, MONDO:0008963, OMIM 214500.

Submission:

Labcorp Genetics (formerly Invitae), Labcorp
Classification: Uncertain significance for Chédiak-Higashi syndrome. Last evaluated: 2021-09-24. Review status: criteria provided, single submitter. Criteria: Invitae Variant Classification Sherloc (09022015). Collection method: clinical testing. Allele origin: germline.
Comment: This variant, c.312_314del, results in the deletion of 1 amino acid(s) of the LYST protein (p.Ile105del), but otherwise preserves the integrity of the reading frame. This variant is not present in population databases (ExAC no frequency). This variant has not been reported in the literature in individuals with LYST-related conditions. Experimental studies and prediction algorithms are not available or were not evaluated, and the functional significance of this variant is currently unknown. In summary, the available evidence is currently insufficient to determine the role of this variant in disease. Therefore, it has been classified as a Variant of Uncertain Significance.

NM_000081.4(LYST):c.312_314del (p.Ile105del)

Gene: LYST (lysosomal trafficking regulator; minus strand). Cytogenetic location: 1q42.3.
Variant type: Deletion.
Coding change: c.312_314del on transcript NM_000081.4 (MANE Select); coding-DNA positions 312 to 314, 3 bases deleted (AAT; older notation c.312_314delAAT).
Protein change: p.Ile105del; deletes isoleucine 105.
Molecular consequence: inframe deletion.
Genome position (GRCh38, 1-based): chr1:235,810,504-235,810,506, ATT deleted on the plus strand (AAT on the coding strand, the reverse complement: LYST is on the minus strand); deleting any 3 consecutive bases within chr1:235,810,504-235,810,508 gives the same sequence; the c. name uses the placement nearest the transcript's 3' end. VCF-style (leftmost placement, unchanged base first): chr1-235810503-GATT-G. GRCh37 (hg19) VCF-style: chr1-235973803-GATT-G.
Other names: c.312_314del, p.Ile105del (NM_001301365.1); short protein forms I105del.
Identifiers: ClinVar variation 1520752 (VCV001520752.5), dbSNP rs1673348702, ClinGen allele CA2486651555.
Genomic context (GRCh38, chr1:235,810,503, plus strand): 5'-TTCTAAATGTAATTTTTCCTGAGTGGATCTTTGTGAACTTGAGTTCTTTTCTTTGGTCAG[GATT>G]ATATCTGCTGAGAGCGGTAGGTTAAAATCTAATGGAATGAAAAAAGAAGGCTTAGAATAC-3'